The following is an entry in ClinVar:

NM_001903.5(CTNNA1):c.47A>C (p.Lys16Thr)

Gene: CTNNA1 (catenin alpha 1; plus strand). Cytogenetic location: 5q31.2.
Variant type: single nucleotide variant.
Coding change: c.47A>C on transcript NM_001903.5 (MANE Select); coding-DNA position 47, A replaced by C.
Protein change: p.Lys16Thr; replaces lysine 16 with threonine.
Molecular consequence: missense variant. On other transcripts: 5 prime UTR variant (2).
Genome position (GRCh38, 1-based): chr5:138,781,971, A>C. VCF-style: chr5-138781971-A-C. GRCh37 (hg19) VCF-style: chr5-138117660-A-C.
Other names: c.47A>C, p.Lys16Thr (NM_001290307.3, NM_001323982.2, NM_001323983.1 and 3 more transcripts); c.-67A>C (NM_001290309.3); c.-160A>C (NM_001290310.3); short protein forms K16T.
Identifiers: ClinVar variation 952509 (VCV000952509.13), dbSNP rs1276738001, ClinGen allele CA361477121.

ClinVar aggregate classification (germline): Uncertain significance. Review status: criteria provided, multiple submitters, no conflicts (2 of 4 stars). 2 submissions from 2 submitters: Uncertain significance (2). Last evaluated 2025-08-29.

Conditions:
Hereditary cancer-predisposing syndrome. Also called: Tumor predisposition; Hereditary neoplastic syndrome; Neoplastic Syndromes, Hereditary; Hereditary Cancer Syndrome. Identifiers: Orphanet 140162, MedGen C0027672, MeSH D009386, MONDO:0015356.

Allele frequency attached by ClinVar (database versions not stated): gnomAD exomes below 0.00001.
gnomAD v4.1: 1 of 1,602,002 alleles (0.000062%); highest among the groups gnomAD compares: Non-Finnish European, 0.000085%; no homozygotes.

Submissions (2):

Ambry Genetics
Classification: Uncertain significance for Hereditary cancer-predisposing syndrome. Last evaluated: 2025-08-29. Review status: criteria provided, single submitter. Criteria: Ambry Variant Classification Scheme 2023. Collection method: clinical testing. Allele origin: germline.
Comment: The p.K16T variant (also known as c.47A>C), located in coding exon 1 of the CTNNA1 gene, results from an A to C substitution at nucleotide position 47. The lysine at codon 16 is replaced by threonine, an amino acid with similar properties. This amino acid position is conserved. In addition, this alteration is predicted to be deleterious by in silico analysis. Since supporting evidence is limited at this time, the clinical significance of this alteration remains unclear.

Labcorp Genetics (formerly Invitae), Labcorp
Classification: Uncertain significance. Last evaluated: 2023-09-20. Review status: criteria provided, single submitter. Criteria: Invitae Variant Classification Sherloc (09022015). Collection method: clinical testing. Allele origin: germline.
Comment: Advanced modeling of protein sequence and biophysical properties (such as structural, functional, and spatial information, amino acid conservation, physicochemical variation, residue mobility, and thermodynamic stability) performed at Invitae indicates that this missense variant is not expected to disrupt CTNNA1 protein function. In summary, the available evidence is currently insufficient to determine the role of this variant in disease. Therefore, it has been classified as a Variant of Uncertain Significance. ClinVar contains an entry for this variant (Variation ID: 952509). This variant has not been reported in the literature in individuals affected with CTNNA1-related conditions. This variant is present in population databases (no rsID available, gnomAD 0.0009%). This sequence change replaces lysine, which is basic and polar, with threonine, which is neutral and polar, at codon 16 of the CTNNA1 protein (p.Lys16Thr).